The following is an entry in ClinVar:

NM_015166.4(MLC1):c.249G>T (p.Leu83Phe)

Genes: MLC1 (modulator of VRAC current 1; minus strand), LOC125446261 (Sharpr-MPRA regulatory region 9327; plus strand). Cytogenetic location: 22q13.33.
Variant type: single nucleotide variant.
Coding change: c.249G>T on transcript NM_015166.4 (MANE Select); coding-DNA position 249, G replaced by T.
Protein change: p.Leu83Phe; replaces leucine 83 with phenylalanine.
Molecular consequence: missense variant. On other transcripts: non-coding transcript variant (3), intron variant (1).
Genome position (GRCh38, 1-based): chr22:50,083,102, C>A on the plus strand (G>T on the coding strand, the complement: MLC1 is on the minus strand). VCF-style: chr22-50083102-C-A. GRCh37 (hg19) VCF-style: chr22-50521531-C-A.
Other names: c.249G>T (NM_015166.3); c.249G>T, p.Leu83Phe (NM_001376472.1, NM_001376473.1, NM_001376474.1 and 9 more transcripts); c.12G>T, p.Leu4Phe (NM_001376484.1); c.177+1624G>T (NM_001376480.1); short protein forms L4F, L83F.
Identifiers: ClinVar variation 1162193 (VCV001162193.8), dbSNP rs1289520784, ClinGen allele CA412111559.
Genomic context (GRCh38, chr22:50,083,102, plus strand): 5'-GCGAGCTTGGGCACTGGCAGAGGCGTGGAGGAAGCTGCTTACAGAGCCTGCAGCACAGCG[C>A]AAGTAATCCATCTCAGCCGGGAACACGTTCCCCAGGTACAGCGAAAACCCCGAGGTCACC-3'
Protein context (NP_055981.1, residues 73-93): GNVFPAEMDY[Leu83Phe]RCAAGSCIPS

ClinVar aggregate classification (germline): Likely pathogenic. Review status: criteria provided, multiple submitters, no conflicts (2 of 4 stars). 4 submissions from 4 submitters: Likely pathogenic (4). Last evaluated 2024-03-09.

Conditions:
Megalencephalic leukoencephalopathy with subcortical cysts 1 (MLC1). Also called: VACUOLATING MEGALENCEPHALIC LEUKOENCEPHALOPATHY WITH SUBCORTICAL CYSTS; LEUKOENCEPHALOPATHY WITH SWELLING AND CYSTS. Identifiers: Orphanet 2478, MedGen C5779875, MONDO:0024555, OMIM 604004.
Megalencephalic leukoencephalopathy with subcortical cysts. Also called: VAN DER KNAAP DISEASE. Identifiers: Orphanet 2478, MedGen C1858854, MONDO:0011391.

Allele frequency attached by ClinVar (database versions not stated): gnomAD exomes below 0.00001; gnomAD 0.00001; TOPMed 0.00001.
gnomAD v4.1: 2 of 1,613,974 alleles (0.00012%); highest among the groups gnomAD compares: Non-Finnish European, 0.00017%; no homozygotes.

Submissions (4):

Baylor Genetics
Classification: Likely pathogenic for Megalencephalic leukoencephalopathy with subcortical cysts 1. Last evaluated: 2024-03-09. Review status: criteria provided, single submitter. Criteria: ACMG Guidelines, 2015. Collection method: clinical testing. Allele origin: unknown.

Women's Health and Genetics/Laboratory Corporation of America, LabCorp
Classification: Likely pathogenic for Megalencephalic leukoencephalopathy with subcortical cysts. Last evaluated: 2023-06-29. Review status: criteria provided, single submitter. Criteria: LabCorp Variant Classification Summary - May 2015. Collection method: clinical testing. Allele origin: germline.
Comment: Variant summary: MLC1 c.249G>T (p.Leu83Phe) results in a non-conservative amino acid change in the encoded protein sequence. Five of five in-silico tools predict a damaging effect of the variant on protein function. The variant was absent in 251138 control chromosomes in gnomAD. c.249G>T has been reported at a heterozygous state in individuals affected with Megalencephalic Leukoencephalopathy With Subcortical Cysts 1 (example: Leegwater_2002, Patrono_2003, Montagna_2006). At least one publication reports experimental evidence evaluating an impact on protein function. The most pronounced variant effect results in <30% of normal MLC1 levels on Xenopus Oocytes (Duarri_2008). These data indicate that the variant is likely to be associated with disease. The following publications have been ascertained in the context of this evaluation (PMID: 18757878, 22737209, 11935341, 16470554, 12939431). Two submitters have cited clinical-significance assessments for this variant to ClinVar after 2014 (both likely pathogenic). Based on the evidence outlined above, the variant was classified as likely pathogenic.

Labcorp Genetics (formerly Invitae), Labcorp
Classification: Likely pathogenic. Last evaluated: 2023-03-16. Review status: criteria provided, single submitter. Criteria: Invitae Variant Classification Sherloc (09022015). Collection method: clinical testing. Allele origin: germline.
Comment: This missense change has been observed in individuals with megalencephalic leukoencephalopathy with subcortical cysts (PMID: 12939431; Invitae). It has also been observed to segregate with disease in related individuals. This variant is present in population databases (no rsID available, gnomAD 0.007%). This sequence change replaces leucine, which is neutral and non-polar, with phenylalanine, which is neutral and non-polar, at codon 83 of the MLC1 protein (p.Leu83Phe). In summary, the currently available evidence indicates that the variant is pathogenic, but additional data are needed to prove that conclusively. Therefore, this variant has been classified as Likely Pathogenic. Experimental studies have shown that this missense change affects MLC1 function (PMID: 18757878). Advanced modeling of protein sequence and biophysical properties (such as structural, functional, and spatial information, amino acid conservation, physicochemical variation, residue mobility, and thermodynamic stability) has been performed at Invitae for this missense variant, however the output from this modeling did not meet the statistical confidence thresholds required to predict the impact of this variant on MLC1 protein function. ClinVar contains an entry for this variant (Variation ID: 1162193).

NxGen MDx
Classification: Likely pathogenic for Megalencephalic leukoencephalopathy with subcortical cysts 1. Last evaluated: 2019-12-03. Review status: criteria provided, single submitter. Criteria: ACMG Guidelines, 2015. Collection method: clinical testing. Allele origin: unknown.
Comment: This missense variant c.249G>T results in a change of Leucine to Phenylalanine (p.Leu83Phe) in the helical domain of MLC1 (PM1). This variant is not found in gnomAD exomes (PM2). Multiple in silico analysis tools predict that this change is damaging (PP3). This variant was also reported in Montagna et al. PMID 16470554 in a patient with macrocephaly as well as by Huyghe et al. PMID 22737209 with 2nd allele c.IVS5+6T>G in an additional MLC patient. We interpret c.249G>T to be likely pathogenic

Literature cited by the submitters: PubMed 16470554 (cited by Women's Health and Genetics/Laboratory Corporation of America, LabCorp and NxGen MDx); PubMed 18757878 (cited by Women's Health and Genetics/Laboratory Corporation of America, LabCorp and Labcorp Genetics (formerly Invitae), Labcorp); PubMed 11935341 (cited by Women's Health and Genetics/Laboratory Corporation of America, LabCorp and NxGen MDx); PubMed 12939431 (cited by Women's Health and Genetics/Laboratory Corporation of America, LabCorp and Labcorp Genetics (formerly Invitae), Labcorp); PubMed 22737209 (cited by Women's Health and Genetics/Laboratory Corporation of America, LabCorp and NxGen MDx).